The following is an entry in ClinVar:

NM_000051.4(ATM):c.1564_1565del (p.Glu522fs)

Gene: ATM (ATM serine/threonine kinase; plus strand). Cytogenetic location: 11q22.3.
Variant type: Microsatellite.
Coding change: c.1564_1565del on transcript NM_000051.4 (MANE Select); coding-DNA positions 1564 to 1565, 2 bases deleted (GA; older notation c.1564_1565delGA).
Protein change: p.Glu522fs; shifts the reading frame from glutamic acid 522.
Molecular consequence: frameshift variant.
Genome position (GRCh38, 1-based): chr11:108,251,029-108,251,030, GA deleted; deleting any 2 consecutive bases within chr11:108,251,026-108,251,030 gives the same sequence; the c. name uses the placement nearest the transcript's 3' end. VCF-style (leftmost placement, unchanged base first): chr11-108251025-CAG-C. GRCh37 (hg19) VCF-style: chr11-108121752-CAG-C.
Other names: c.1561_1562delAG (NM_000051.3); c.1564_1565del, p.Glu522fs (NM_001351834.2); c.1564_1565delGA (NM_000051.3, NM_000051.4); short protein forms E522fs.
Identifiers: ClinVar variation 127340 (VCV000127340.116), dbSNP rs587779817, ClinGen allele CA273990.
Genomic context (GRCh38, chr11:108,251,025, plus strand): 5'-ACAAGCTGAAAACTTTGGCTTACTTGGAGCCATAATTCAGGGTAGTTTAGTTGAGGTTGA[CAG>C]AGAATTCTGGAAGTTATTTACTGGGTCAGCCTGCAGACCTTCATGGTAAGTTCAGCATGC-3'

ClinVar aggregate classification (germline): Pathogenic. Review status: reviewed by expert panel (3 of 4 stars). 46 submissions from 45 submitters: Pathogenic (1). 45 of the submissions do not count toward it. Last evaluated 2025-06-11.

Conditions:
ATM-related cancer predisposition. Also called: ATM-related cancer susceptibility. Identifiers: MedGen CN377759, MONDO:0700270.
Ataxia-telangiectasia syndrome (AT). Also called: LOUIS-BAR SYNDROME; ATAXIA-TELANGIECTASIA, COMPLEMENTATION GROUP A; ATAXIA-TELANGIECTASIA, FRESNO VARIANT; Ataxia-telangiectasia; Ataxia telangiectasia (A-T); Ataxia-telangiectasia, complementation group D. Identifiers: Orphanet 100, MedGen C0004135, MONDO:0008840, OMIM 208900.
Hereditary cancer-predisposing syndrome. Also called: Hereditary neoplastic syndrome; Neoplastic Syndromes, Hereditary; Tumor predisposition; Hereditary Cancer Syndrome. Identifiers: Orphanet 140162, MedGen C0027672, MeSH D009386, MONDO:0015356.
Inherited breast cancer and ovarian cancer.
ATM-related disorder. Also called: ATM-related disorders; ATM-related condition.
Familial cancer of breast. Also called: hereditary breast carcinoma; BREAST CANCER, FAMILIAL; Hereditary breast cancer. Identifiers: Orphanet 227535, MedGen C0346153, MONDO:0016419, OMIM 114480. Disease mechanism: loss of function.
Breast and/or ovarian cancer. Identifiers: MedGen CN221562.
Breast-ovarian cancer, familial, susceptibility to, 1 (BROVCA1). Also called: BRCA1 Hereditary Breast and Ovarian Cancer; OVARIAN CANCER, SUSCEPTIBILITY TO. Identifiers: Orphanet 145, MedGen C2676676, MONDO:0011450, OMIM 604370. Disease mechanism: loss of function.
Tip-toe gait. Also called: Toe walking. Identifiers: MedGen C0427144, HP:0030051.
Malignant tumor of breast. Also called: Malignant breast neoplasm; Cancer breast. Identifiers: MedGen C0006142, MONDO:0007254. Disease mechanism: loss of function.

Submissions 1 to 10 of 46:

ClinGen Hereditary Breast, Ovarian and Pancreatic Cancer Variant Curation Expert Panel, ClinGen
Classification: Pathogenic for ATM-related cancer predisposition. Last evaluated: 2025-06-11. Review status: reviewed by expert panel. Criteria: ClinGen HBOP ACMG Specifications ATM V1.3.0. Collection method: curation. Allele origin: germline. Inheritance: Autosomal dominant inheritance.
Comment: The c.1564_1565del (p.Glu522Ilefs*43) variant in ATM is a frameshift variant predicted to cause a premature stop codon in a biologically-relevant-exon leading to nonsense mediated decay in a gene in which loss-of-function is an established disease mechanism. This alteration results in a termination codon upstream of the most C-terminus pathogenic alteration (ATM p.Arg3047*), as classified by the HBOP VCEP, and is expected to be more deleterious. This variant has been detected in numerous unrelated individuals with Ataxia-Telangiectasia (PMIDs: 26896183, 10330348, 9792409, 12497634, 15880721, 31407689, 30549301, 30772474, 9887333, 28126470, 23566627, 22213089, 21792198, 17985259, 8755918, 16266405, 21965147, 10817650, 8789452, 9463314, 19535770). The highest population minor allele frequency in gnomAD v4.1.0 0.00007373 in the European (non-Finnish) population (PM2_Supporting, BS1, and BA1 are not met). In summary, this variant meets criteria to be classified as pathogenic for autosomal dominant ATM-related cancer predisposition and autosomal recessive ataxia-telangiectasia based on the ACMG/AMP criteria applied, as specified by the HBOP VCEP. (PVS1, PM5_Supporting, PM3_VeryStrong)

Cambridge Genomics Laboratory, East Genomic Laboratory Hub, NHS Genomic Medicine Service
Classification: Pathogenic for Inherited breast cancer and ovarian cancer. Last evaluated: 2026-10-27. Review status: criteria provided, single submitter. Criteria: ACGS Best Practice Guidelines for Variant Classification in Rare Disease 2020. Collection method: clinical testing. Allele origin: germline. Affected: yes. Not counted in ClinVar's aggregate classification.
Comment: PVS1,PM3,PM5_Supporting

PreventionGenetics, part of Exact Sciences
Classification: Pathogenic for ATM-related condition. Last evaluated: 2026-09-15. Review status: criteria provided, single submitter. Criteria: ACMG Guidelines, 2015. Collection method: clinical testing. Allele origin: germline. Not counted in ClinVar's aggregate classification.
Comment: The ATM c.1564_1565delGA variant is predicted to result in a frameshift and premature protein termination (p.Glu522Ilefs*43). This variant has previously been reported in patients with ataxia telangiectasia (Byrd et al. 1996. PubMed ID: 8789452), as well as in individuals with a personal or family history of breast, pancreatic, gastric, and colorectal cancers (Decker et al. 2017. PubMed ID: 28779002; Hansford et al. 2015. PubMed ID: 26182300; Huang et al. 2015. PubMed ID: 26506520; Shindo et al. 2017. PubMed ID: 28767289; Tung et al. 2014. PubMed ID: 25186627; Yurgelun et al. 2015. PubMed ID: 25980754).﻿ This variant is reported in 0.011% of alleles in individuals of European (non-Finnish) descent in gnomAD and is interpreted as pathogenic by The ClinGen Hereditary Breast, Ovarian and Pancreatic Cancer Variant Curation Expert Panel in ClinVar (Variation ID: 127340﻿). Frameshift variants in ATM are expected to be pathogenic. This variant is interpreted as pathogenic.

OLLIN Analises Genomicas, OLLIN
Classification: Pathogenic for Familial cancer of breast. Last evaluated: 2026-08-06. Review status: criteria provided, single submitter. Criteria: ACMG Guidelines 2015 PMID 25741868. Collection method: clinical testing. Allele origin: germline. Inheritance: Autosomal recessive inheritance. Not counted in ClinVar's aggregate classification.
Comment: This frameshift variant, located in exon 10 (of 63), has been reported in ClinVar (accession VCV000127340.112) and in gnomAD with an allele frequency of 0.0055%. However, to our knowledge, it has not been reported in the scientific literature. This variant causes a frameshift and introduces a premature stop codon, which is predicted to result in either a truncated protein or degradation of the mRNA via nonsense-mediated decay (NMD). According to the currently available evidence, this variant has been classified as pathogenic (PVS1, PS4).

Institute of Human Genetics, University of Leipzig Medical Center
Classification: Pathogenic for Familial cancer of breast. Last evaluated: 2026-06-29. Review status: criteria provided, single submitter. Criteria: ACMG Guidelines, 2015. Collection method: clinical testing. Allele origin: unknown. Inheritance: Autosomal dominant inheritance. Affected: yes. Not counted in ClinVar's aggregate classification.
Comment: Criteria applied: PVS1,PM3_VSTR,PM5_SUP

CeGaT Center for Human Genetics Tuebingen
Classification: Pathogenic. Last evaluated: 2026-03-01. Review status: criteria provided, single submitter. Criteria: CeGaT Center For Human Genetics Tuebingen Variant Classification Criteria Version 2. Collection method: clinical testing. Allele origin: germline. Affected: yes. Observed: 11 variant alleles. Not counted in ClinVar's aggregate classification.
Comment: ATM: PM3:Very Strong, PVS1, PM2:Supporting

Labcorp Genetics (formerly Invitae), Labcorp
Classification: Pathogenic for Ataxia-telangiectasia syndrome. Last evaluated: 2026-02-03. Review status: criteria provided, single submitter. Criteria: Invitae Variant Classification Sherloc (09022015). Collection method: clinical testing. Allele origin: germline. Not counted in ClinVar's aggregate classification.
Comment: This sequence change creates a premature translational stop signal (p.Glu522Ilefs*43) in the ATM gene. It is expected to result in an absent or disrupted protein product. Loss-of-function variants in ATM are known to be pathogenic (PMID: 23807571, 25614872). This variant is present in population databases (rs751357509, gnomAD 0.01%). This premature translational stop signal has been observed in individual(s) with ataxia-telangiectasia and/or breast cancer (PMID: 9000145, 9463314, 10330348, 10817650, 12497634, 21965147, 27083775). This variant is also known as 1561delAG, 521ΔAG, 1563_1564delAG, 1563delAG, c.1564_1565delAG, and c.1561_1562delAG. For these reasons, this variant has been classified as Pathogenic.

Department of Clinical Genetics, Copenhagen University Hospital, Rigshospitalet
Classification: Pathogenic for ATM-related cancer predisposition; Ataxia-telangiectasia syndrome. Last evaluated: 2025-11-18. Review status: criteria provided, single submitter. Criteria: ACMG Guidelines, 2015. Collection method: clinical testing. Allele origin: germline. Affected: yes. Not counted in ClinVar's aggregate classification.
Comment: The following ACMG criteria has been used: PVS1; PM5_SUP;PM3_Very_Strong

Institute of Immunology and Genetics Kaiserslautern
Classification: Pathogenic for Breast-ovarian cancer, familial, susceptibility to, 1. Last evaluated: 2025-08-04. Review status: criteria provided, single submitter. Criteria: ACMG Guidelines, 2015. Collection method: clinical testing. Allele origin: germline. Affected: no. Not counted in ClinVar's aggregate classification.
Comment: ACMG Criteria: PVS1, PM2, PP5_M.

GeneKor MSA
Classification: Pathogenic for Hereditary cancer-predisposing syndrome. Last evaluated: 2025-06-25. Review status: criteria provided, single submitter. Criteria: ACMG Guidelines, 2015. Collection method: clinical testing. Allele origin: germline. Affected: yes. Not counted in ClinVar's aggregate classification.
Comment: This sequence change deletes 2 bases in exon 10 of the ATM mRNA (c.1564_1565delGA), causing a frameshift after codon 522 and the creation of a premature translational stop signal 43 amino acid residues later -p.(Glu522Ilefs*43). This is expected to result in an absent or disrupted protein product. Truncating variants in ATM are known to be pathogenic. This particular truncation has been reported in individuals affected with ataxia-telangiectasia including five homozygous individuals (PMID:9463314, 10817650, 9000145, 12497634, 21965147,10330348) and in an individual with breast cancer (PMID:27083775). This variant is also known as 1561delAG, 521DAG, 1563_1564delAG, 1563delAG, and c.1561_1562delAG in the literature. It is also listed in the mutation database ClinVar as pathogenic (VCV000127340.98). For these reasons, this variant has been classified as Pathogenic.